The following is an entry in ClinVar:

ClinVar aggregate classification (germline): Uncertain significance (1 of 4 stars; one submission).

Submission:

Labcorp Genetics (formerly Invitae), Labcorp
Classification: Uncertain significance. Last evaluated: 2024-04-18. Review status: criteria provided, single submitter. Criteria: Invitae Variant Classification Sherloc (09022015). Collection method: clinical testing. Allele origin: germline.
Comment: This sequence change replaces proline, which is neutral and non-polar, with serine, which is neutral and polar, at codon 636 of the SAMD9L protein (p.Pro636Ser). This variant is not present in population databases (gnomAD no frequency). This variant has not been reported in the literature in individuals affected with SAMD9L-related conditions. Advanced modeling of protein sequence and biophysical properties (such as structural, functional, and spatial information, amino acid conservation, physicochemical variation, residue mobility, and thermodynamic stability) has been performed at Invitae for this missense variant, however the output from this modeling did not meet the statistical confidence thresholds required to predict the impact of this variant on SAMD9L protein function. In summary, the available evidence is currently insufficient to determine the role of this variant in disease. Therefore, it has been classified as a Variant of Uncertain Significance.

NM_152703.5(SAMD9L):c.1906C>T (p.Pro636Ser)

Gene: SAMD9L (sterile alpha motif domain containing 9 like; minus strand). Cytogenetic location: 7q21.2.
Variant type: single nucleotide variant.
Coding change: c.1906C>T on transcript NM_152703.5 (MANE Select); coding-DNA position 1906, C replaced by T.
Protein change: p.Pro636Ser; replaces proline 636 with serine.
Molecular consequence: missense variant.
Genome position (GRCh38, 1-based): chr7:93,134,066, G>A on the plus strand (C>T on the coding strand, the complement: SAMD9L is on the minus strand). VCF-style: chr7-93134066-G-A. GRCh37 (hg19) VCF-style: chr7-92763379-G-A.
Other names: c.1906C>T, p.Pro636Ser (NM_001303496.3, NM_001303497.3, NM_001303498.3 and 5 more transcripts); short protein forms P636S.
Identifiers: ClinVar variation 3682997 (VCV003682997.2).